The following is an entry in ClinVar:

NM_000057.4(BLM):c.1805C>T (p.Ser602Leu)

Gene: BLM (BLM RecQ like helicase; plus strand). Cytogenetic location: 15q26.1.
Variant type: single nucleotide variant.
Coding change: c.1805C>T on transcript NM_000057.4 (MANE Select); coding-DNA position 1805, C replaced by T.
Protein change: p.Ser602Leu; replaces serine 602 with leucine.
Molecular consequence: missense variant.
Genome position (GRCh38, 1-based): chr15:90,761,178, C>T. VCF-style: chr15-90761178-C-T. GRCh37 (hg19) VCF-style: chr15-91304408-C-T.
Other names: c.1805C>T, p.Ser602Leu (NM_001287246.2, NM_001287247.2); c.680C>T, p.Ser227Leu (NM_001287248.2); short protein forms S602L, S227L.
Identifiers: ClinVar variation 1483298 (VCV001483298.8), dbSNP rs2151159026, ClinGen allele CA393843880.

ClinVar aggregate classification (germline): Uncertain significance (1 of 4 stars; one submission).

Conditions:
Bloom syndrome (BLM). Also called: Bloom-Torre-Machacek syndrome. Identifiers: Orphanet 125, MedGen C0005859, MONDO:0008876, OMIM 210900.

Submission:

Labcorp Genetics (formerly Invitae), Labcorp
Classification: Uncertain significance for Bloom syndrome. Last evaluated: 2021-02-06. Review status: criteria provided, single submitter. Criteria: Invitae Variant Classification Sherloc (09022015). Collection method: clinical testing. Allele origin: germline.
Comment: In summary, the available evidence is currently insufficient to determine the role of this variant in disease. Therefore, it has been classified as a Variant of Uncertain Significance. Algorithms developed to predict the effect of missense changes on protein structure and function output the following: SIFT: "Tolerated"; PolyPhen-2: "Benign"; Align-GVGD: "Class C0". The leucine amino acid residue is found in multiple mammalian species, suggesting that this missense change does not adversely affect protein function. These predictions have not been confirmed by published functional studies and their clinical significance is uncertain. This variant has not been reported in the literature in individuals with BLM-related conditions. This variant is not present in population databases (ExAC no frequency). This sequence change replaces serine with leucine at codon 602 of the BLM protein (p.Ser602Leu). The serine residue is weakly conserved and there is a large physicochemical difference between serine and leucine.